The following is an entry in ClinVar:

ClinVar aggregate classification (germline): Uncertain significance (1 of 4 stars; one submission).

Allele frequency attached by ClinVar (database versions not stated): TOPMed below 0.00001; gnomAD 0.00001; gnomAD exomes 0.00001.
gnomAD v4.1: 11 of 1,613,938 alleles (0.00068%); highest among the groups gnomAD compares: Non-Finnish European, 0.00068%; no homozygotes.

Submission:

Labcorp Genetics (formerly Invitae), Labcorp
Classification: Uncertain significance. Last evaluated: 2024-05-28. Review status: criteria provided, single submitter. Criteria: Invitae Variant Classification Sherloc (09022015). Collection method: clinical testing. Allele origin: germline.
Comment: This sequence change replaces threonine, which is neutral and polar, with alanine, which is neutral and non-polar, at codon 906 of the RNF213 protein (p.Thr906Ala). This variant is not present in population databases (gnomAD no frequency). This variant has not been reported in the literature in individuals affected with RNF213-related conditions. ClinVar contains an entry for this variant (Variation ID: 1942137). Advanced modeling of protein sequence and biophysical properties (such as structural, functional, and spatial information, amino acid conservation, physicochemical variation, residue mobility, and thermodynamic stability) performed at Invitae indicates that this missense variant is not expected to disrupt RNF213 protein function with a negative predictive value of 95%. In summary, the available evidence is currently insufficient to determine the role of this variant in disease. Therefore, it has been classified as a Variant of Uncertain Significance.

NM_001256071.3(RNF213):c.2716A>G (p.Thr906Ala)

Gene: RNF213 (ring finger protein 213; plus strand). Cytogenetic location: 17q25.3.
Variant type: single nucleotide variant.
Coding change: c.2716A>G on transcript NM_001256071.3 (MANE Select); coding-DNA position 2716, A replaced by G.
Protein change: p.Thr906Ala; replaces threonine 906 with alanine.
Molecular consequence: missense variant.
Genome position (GRCh38, 1-based): chr17:80,313,072, A>G. VCF-style: chr17-80313072-A-G. GRCh37 (hg19) VCF-style: chr17-78286872-A-G.
Other names: c.2863A>G, p.Thr955Ala (NM_001410195.1, NM_020914.5); c.2716A>G, p.Thr906Ala (NM_020954.4); short protein forms T955A, T906A.
Identifiers: ClinVar variation 1942137 (VCV001942137.5), dbSNP rs1426321001, ClinGen allele CA401376139.